The following is an entry in ClinVar:

ClinVar aggregate classification (germline): Uncertain significance (1 of 4 stars; one submission).

Conditions:
Hypertrophic cardiomyopathy 1 (CMH1). Also called: Familial hypertrophic cardiomyopathy 1; MYH7-Related Familial Hypertrophic Cardiomyopathy. Identifiers: MedGen C3495498, MONDO:0008647, OMIM 192600.

Submission:

Labcorp Genetics (formerly Invitae), Labcorp
Classification: Uncertain significance for Hypertrophic cardiomyopathy 1. Last evaluated: 2024-03-29. Review status: criteria provided, single submitter. Criteria: Invitae Variant Classification Sherloc (09022015). Collection method: clinical testing. Allele origin: germline.
Comment: This sequence change replaces phenylalanine, which is neutral and non-polar, with leucine, which is neutral and non-polar, at codon 443 of the MYLK2 protein (p.Phe443Leu). This variant is not present in population databases (gnomAD no frequency). This variant has not been reported in the literature in individuals affected with MYLK2-related conditions. Advanced modeling of protein sequence and biophysical properties (such as structural, functional, and spatial information, amino acid conservation, physicochemical variation, residue mobility, and thermodynamic stability) performed at Invitae indicates that this missense variant is expected to disrupt MYLK2 protein function with a positive predictive value of 80%. In summary, the available evidence is currently insufficient to determine the role of this variant in disease. Therefore, it has been classified as a Variant of Uncertain Significance.

NM_033118.4(MYLK2):c.1327T>C (p.Phe443Leu)

Gene: MYLK2 (myosin light chain kinase 2; plus strand). Cytogenetic location: 20q11.21.
Variant type: single nucleotide variant.
Coding change: c.1327T>C on transcript NM_033118.4 (MANE Select); coding-DNA position 1327, T replaced by C.
Protein change: p.Phe443Leu; replaces phenylalanine 443 with leucine.
Molecular consequence: missense variant.
Genome position (GRCh38, 1-based): chr20:31,831,044, T>C. VCF-style: chr20-31831044-T-C. GRCh37 (hg19) VCF-style: chr20-30418847-T-C.
Other names: short protein forms F443L.
Identifiers: ClinVar variation 3638637 (VCV003638637.2).
Genomic context (GRCh38, chr20:31,831,044, plus strand): 5'-GTGCTCTCAGCCCTTGGTCTCACCCCCAGGTATAACCCCAACGAGAAGCTGAAGGTGAAC[T>C]TTGGGACCCCAGAGTTCCTGTCACCTGAGGTGGTGAATTATGACCAAATCTCCGATAAGA-3'
Protein context (NP_149109.1, residues 433-453): YNPNEKLKVN[Phe443Leu]GTPEFLSPEV